The following continues an entry in ClinVar:

NM_000500.9(CYP21A2):c.293-13C>G

ClinVar aggregate classification (germline): Pathogenic/Likely pathogenic. Pathogenic (36); Likely pathogenic (2).

Submissions 47 to 48 of 48:

Department of Pathology and Laboratory Medicine, Sinai Health System
Classification: Uncertain significance for classic congenital adrenal hyperplasia due to 21-hydroxylase deficiency. Last evaluated: 2023-03-16. Review status: flagged submission. Criteria: ACMG Guidelines, 2015. Collection method: research. Allele origin: germline. Not counted in ClinVar's aggregate classification.
ClinVar note: Reason: Outlier claim with insufficient supporting evidence

GeneReviews
Classification: Pathogenic for 21-Hydroxylase-Deficient Congenital Adrenal Hyperplasia. Last evaluated: 2013-08-29. Review status: flagged submission. Collection method: curation. Allele origin: unknown. Not counted in ClinVar's aggregate classification.
ClinVar note: Converted during submission from pathologic to Pathogenic.
ClinVar note: Reason: This record appears to be redundant with a more recent record from the same submitter.
ClinVar note: Notes: SCV000086795 appears to be redundant with SCV000086796.

Literature cited by the submitters: PubMed 2845408 (cited by 11 submitters); PubMed 8365724 (cited by Department of Molecular Genetics, Istishari Arab Hospital); PubMed 8741909 (cited by Department of Molecular Genetics, Istishari Arab Hospital); PubMed 32289882 (cited by 3 submitters); PubMed 35355919 (cited by Victorian Clinical Genetics Services, Murdoch Childrens Research Institute); PubMed 31586465 (cited by 3 submitters); PubMed 20080860 (cited by Labcorp Genetics (formerly Invitae), Labcorp); PubMed 30995443 (cited by Labcorp Genetics (formerly Invitae), Labcorp and Ambry Genetics); PubMed 26206692 (cited by 3 submitters); PubMed 25630015 (cited by 6 submitters); PubMed 24904866 (cited by 3 submitters); PubMed 23359698 (cited by 4 submitters); PubMed 25227725 (cited by Ambry Genetics); PubMed 25501839 (cited by 3 submitters); PubMed 26804566 (cited by 3 submitters); PubMed 27041116 (cited by Ambry Genetics); PubMed 28392195 (cited by Ambry Genetics); PubMed 30352423 (cited by Ambry Genetics); PubMed 36992809 (cited by Ambry Genetics); PubMed 12915679 (cited by 3 submitters); PubMed 12788880 (cited by 3 submitters); PubMed 1644925 (cited by 5 submitters); PubMed 1985465 (cited by 3 submitters); PubMed 39713855 (cited by Athena Diagnostics and Quest Diagnostics Nichols Institute San Juan Capistrano); PubMed 39451515 (cited by Athena Diagnostics and Quest Diagnostics Nichols Institute San Juan Capistrano); PubMed 39553475 (cited by Athena Diagnostics and Quest Diagnostics Nichols Institute San Juan Capistrano); PubMed 39713888 (cited by Athena Diagnostics and Quest Diagnostics Nichols Institute San Juan Capistrano); PubMed 38618509 (cited by Athena Diagnostics and Quest Diagnostics Nichols Institute San Juan Capistrano); PubMed 12213891 (cited by Athena Diagnostics and Quest Diagnostics Nichols Institute San Juan Capistrano); PubMed 25353971 (cited by Athena Diagnostics and Quest Diagnostics Nichols Institute San Juan Capistrano); PubMed 23769969 (cited by Athena Diagnostics and Quest Diagnostics Nichols Institute San Juan Capistrano); PubMed 26985347 (cited by Athena Diagnostics and Quest Diagnostics Nichols Institute San Juan Capistrano); PubMed 19420818 (cited by Athena Diagnostics and Quest Diagnostics Nichols Institute San Juan Capistrano); PubMed 17275379 (cited by 3 submitters); PubMed 18381579 (cited by Athena Diagnostics and Quest Diagnostics Nichols Institute San Juan Capistrano); Miller, W. L. Personal Communication. 1996. San Francisco, Calif. (cited by OMIM); PubMed 2325662 (cited by OMIM); PubMed 8081391 (cited by OMIM); PubMed 5804199 (cited by OMIM); PubMed 7096533 (cited by OMIM); PubMed 7635470 (cited by OMIM); PubMed 8968761 (cited by OMIM).